The following is an entry in ClinVar:

NM_004795.4(KL):c.1660A>G (p.Ser554Gly)

Gene: KL (klotho; plus strand). Cytogenetic location: 13q13.1.
Variant type: single nucleotide variant.
Coding change: c.1660A>G on transcript NM_004795.4 (MANE Select); coding-DNA position 1660, A replaced by G.
Protein change: p.Ser554Gly; replaces serine 554 with glycine.
Molecular consequence: missense variant.
Genome position (GRCh38, 1-based): chr13:33,060,739, A>G. VCF-style: chr13-33060739-A-G. GRCh37 (hg19) VCF-style: chr13-33634876-A-G.
Other names: short protein forms S554G.
Identifiers: ClinVar variation 2269964 (VCV002269964.6), dbSNP rs1239316239, ClinGen allele CA387794332.
Genomic context (GRCh38, chr13:33,060,739, plus strand): 5'-GTAGATACCACTCTGTCTCAGTTTACCGACCTGAATGTTTACCTGTGGGATGTCCACCAC[A>G]GTAAAAGGCTTATTAAAGTGGATGGGGTTGTGACCAAGAAGAGGAAATCCTACTGTGTTG-3'
Protein context (NP_004786.2, residues 544-564): LNVYLWDVHH[Ser554Gly]KRLIKVDGVV

ClinVar aggregate classification (germline): Uncertain significance. Review status: criteria provided, multiple submitters, no conflicts (2 of 4 stars). 2 submissions from 2 submitters: Uncertain significance (2). Last evaluated 2025-06-25.

Allele frequency attached by ClinVar (database versions not stated): gnomAD exomes below 0.00001.

Submissions (2):

Ambry Genetics
Classification: Uncertain significance. Last evaluated: 2025-06-25. Review status: criteria provided, single submitter. Criteria: Ambry Variant Classification Scheme 2023. Collection method: clinical testing. Allele origin: germline.

Labcorp Genetics (formerly Invitae), Labcorp
Classification: Uncertain significance. Last evaluated: 2023-02-13. Review status: criteria provided, single submitter. Criteria: Invitae Variant Classification Sherloc (09022015). Collection method: clinical testing. Allele origin: germline.
Comment: This sequence change replaces serine, which is neutral and polar, with glycine, which is neutral and non-polar, at codon 554 of the KL protein (p.Ser554Gly). This variant is present in population databases (no rsID available, gnomAD 0.007%). This variant has not been reported in the literature in individuals affected with KL-related conditions. Advanced modeling of protein sequence and biophysical properties (such as structural, functional, and spatial information, amino acid conservation, physicochemical variation, residue mobility, and thermodynamic stability) performed at Invitae indicates that this missense variant is not expected to disrupt KL protein function. In summary, the available evidence is currently insufficient to determine the role of this variant in disease. Therefore, it has been classified as a Variant of Uncertain Significance.